The following is an entry in ClinVar:

NM_001388485.1(LMTK3):c.2888_2977del (p.Glu963_Gly992del)

Gene: LMTK3 (lemur tail kinase 3; minus strand). Cytogenetic location: 19q13.33.
Variant type: Deletion.
Coding change: c.2888_2977del on transcript NM_001388485.1 (MANE Select); coding-DNA positions 2888 to 2977, 90 bases deleted.
Protein change: p.Glu963_Gly992del.
Molecular consequence: inframe deletion.
Genome position (GRCh38, 1-based): chr19:48,498,092-48,498,181, 90 bases deleted. GRCh37 (hg19): chr19:49,001,357-49,001,446.
Other names: c.2888_2977del, p.Glu963_Gly992del (NM_001080434.2).
Identifiers: ClinVar variation 4997069 (VCV004997069.1).

ClinVar aggregate classification (germline): Uncertain significance (1 of 4 stars; one submission).

Conditions:
LMTK3-related disorder. Also called: LMTK3-related condition.

Submission:

PreventionGenetics, part of Exact Sciences
Classification: Uncertain significance for LMTK3-related condition. Last evaluated: 2025-01-02. Review status: criteria provided, single submitter. Criteria: ACMG Guidelines, 2015. Collection method: clinical testing. Allele origin: germline.
Comment: The LMTK3 c.2975_3064del90 variant is predicted to result in an in-frame deletion (p.Glu992_Gly1021del). To our knowledge, this variant has not been reported in the literature or in a large population database (gnomAD), indicating this variant is rare. At this time, the clinical significance of this variant is uncertain due to the absence of conclusive functional and genetic evidence.